The following is an entry in ClinVar:

NM_016026.4(RDH11):c.305C>G (p.Ser102Cys)

Genes: GPHN (gephyrin; plus strand), RDH11 (retinol dehydrogenase 11; minus strand). Cytogenetic location: 14q24.1.
Variant type: single nucleotide variant.
Coding change: c.305C>G on transcript NM_016026.4 (MANE Select); coding-DNA position 305, C replaced by G.
Protein change: p.Ser102Cys; replaces serine 102 with cysteine.
Molecular consequence: missense variant.
Genome position (GRCh38, 1-based): chr14:67,692,482, G>C on the plus strand (C>G on the coding strand, the complement: RDH11 is on the minus strand). VCF-style: chr14-67692482-G-C. GRCh37 (hg19) VCF-style: chr14-68159199-G-C.
Other names: c.305C>G, p.Ser102Cys (NM_001252650.2); short protein forms S102C.
Identifiers: ClinVar variation 1517321 (VCV001517321.6), dbSNP rs1275278332, ClinGen allele CA390136659.

ClinVar aggregate classification (germline): Uncertain significance (1 of 4 stars; one submission).

Submission:

Labcorp Genetics (formerly Invitae), Labcorp
Classification: Uncertain significance. Last evaluated: 2021-11-25. Review status: criteria provided, single submitter. Criteria: Invitae Variant Classification Sherloc (09022015). Collection method: clinical testing. Allele origin: germline.
Comment: This variant is not present in population databases (gnomAD no frequency). This sequence change replaces serine, which is neutral and polar, with cysteine, which is neutral and slightly polar, at codon 102 of the RDH11 protein (p.Ser102Cys). This variant has not been reported in the literature in individuals affected with RDH11-related conditions. Algorithms developed to predict the effect of missense changes on protein structure and function are either unavailable or do not agree on the potential impact of this missense change (SIFT: "Deleterious"; PolyPhen-2: "Possibly Damaging"; Align-GVGD: "Class C0"). In summary, the available evidence is currently insufficient to determine the role of this variant in disease. Therefore, it has been classified as a Variant of Uncertain Significance.